The following is an entry in ClinVar:

NM_000136.3(FANCC):c.1024C>T (p.Pro342Ser)

Genes: AOPEP (aminopeptidase O (putative); plus strand), FANCC (FA complementation group C; minus strand). Cytogenetic location: 9q22.32.
Variant type: single nucleotide variant.
Coding change: c.1024C>T on transcript NM_000136.3 (MANE Select); coding-DNA position 1024, C replaced by T.
Protein change: p.Pro342Ser; replaces proline 342 with serine.
Molecular consequence: missense variant.
Genome position (GRCh38, 1-based): chr9:95,117,363, G>A on the plus strand (C>T on the coding strand, the complement: FANCC is on the minus strand). VCF-style: chr9-95117363-G-A. GRCh37 (hg19) VCF-style: chr9-97879645-G-A.
Other names: c.1024C>T, p.Pro342Ser (NM_001243743.2, NM_001243744.2); short protein forms P342S.
Identifiers: ClinVar variation 2450921 (VCV002450921.2), dbSNP rs863224606, ClinGen allele CA374108185.

ClinVar aggregate classification (germline): Uncertain significance (1 of 4 stars; one submission).

Conditions:
Hereditary cancer-predisposing syndrome. Also called: Neoplastic Syndromes, Hereditary; Tumor predisposition; Hereditary neoplastic syndrome; Hereditary Cancer Syndrome. Identifiers: Orphanet 140162, MedGen C0027672, MeSH D009386, MONDO:0015356.

Submission:

Ambry Genetics
Classification: Uncertain significance for Hereditary cancer-predisposing syndrome. Last evaluated: 2022-12-16. Review status: criteria provided, single submitter. Criteria: Ambry Variant Classification Scheme 2023. Collection method: clinical testing. Allele origin: germline.
Comment: The p.P342S variant (also known as c.1024C>T), located in coding exon 10 of the FANCC gene, results from a C to T substitution at nucleotide position 1024. The proline at codon 342 is replaced by serine, an amino acid with similar properties. This amino acid position is conserved. In addition, this alteration is predicted to be deleterious by in silico analysis. Since supporting evidence is limited at this time, the clinical significance of this alteration remains unclear.